The following is an entry in ClinVar:

NM_001040108.2(MLH3):c.3603C>T (p.Ala1201=)

Gene: MLH3 (mutL homolog 3; minus strand). Cytogenetic location: 14q24.3.
Variant type: single nucleotide variant.
Coding change: c.3603C>T on transcript NM_001040108.2 (MANE Select); coding-DNA position 3603, C replaced by T.
Protein change: p.Ala1201=; no amino-acid change (alanine 1201 retained).
Molecular consequence: synonymous variant.
Genome position (GRCh38, 1-based): chr14:75,038,380, G>A on the plus strand (C>T on the coding strand, the complement: MLH3 is on the minus strand). VCF-style: chr14-75038380-G-A. GRCh37 (hg19) VCF-style: chr14-75505083-G-A.
Other names: c.3603C>T, p.Ala1201= (NM_014381.3); c.3603C>T (NM_001040108.1).
Identifiers: ClinVar variation 1673746 (VCV001673746.9), dbSNP rs187392462, ClinGen allele CA263643806.

ClinVar aggregate classification (germline): Conflicting classifications of pathogenicity. Review status: criteria provided, conflicting classifications (1 of 4 stars). 2 submissions from 2 submitters: Uncertain significance (1); Likely benign (1). Last evaluated 2023-09-28.

Conditions:
Colorectal cancer, hereditary nonpolyposis, type 7. Identifiers: Orphanet 144, MedGen C1858380, MONDO:0013725, OMIM 614385.

Allele frequency attached by ClinVar (database versions not stated): gnomAD exomes below 0.00001; gnomAD 0.00001; TOPMed 0.00006; 1000 Genomes Project 0.00020; 1000 Genomes Project 30x 0.00031.
gnomAD v4.1: 3 of 1,613,720 alleles (0.00019%); highest among the groups gnomAD compares: Admixed American, 0.0033%; no homozygotes.

Submissions (2):

Ambry Genetics
Classification: Uncertain significance. Last evaluated: 2023-09-28. Review status: criteria provided, single submitter. Criteria: Ambry Variant Classification Scheme 2023. Collection method: clinical testing. Allele origin: germline.
Comment: The c.3603C>T variant (also known as p.A1201A), located in coding exon 5 of the MLH3 gene, results from a C to T substitution at nucleotide position 3603. This nucleotide substitution does not change the alanine at codon 1201. This nucleotide position is not well conserved in available vertebrate species. In silico splice site analysis for this alteration is inconclusive. The evidence for this gene-disease relationship is limited; therefore, the clinical significance of this alteration is unclear.

Labcorp Genetics (formerly Invitae), Labcorp
Classification: Likely benign for Colorectal cancer, hereditary nonpolyposis, type 7. Last evaluated: 2022-01-23. Review status: criteria provided, single submitter. Criteria: Invitae Variant Classification Sherloc (09022015). Collection method: clinical testing. Allele origin: germline.